The following is an entry in ClinVar:

NM_001267550.2(TTN):c.52890C>T (p.Thr17630=)

Genes: TTN (titin; minus strand), TTN-AS1 (TTN antisense RNA 1; plus strand), LOC126806425 (BRD4-independent group 4 enhancer GRCh37_chr2:179471933-179473132; plus strand). Cytogenetic location: 2q31.2.
Variant type: single nucleotide variant.
Coding change: c.52890C>T on transcript NM_001267550.2 (MANE Select); coding-DNA position 52890, C replaced by T.
Protein change: p.Thr17630=; no amino-acid change (threonine 17630 retained).
Molecular consequence: synonymous variant.
Genome position (GRCh38, 1-based): chr2:178,607,897, G>A on the plus strand (C>T on the coding strand, the complement: TTN is on the minus strand). VCF-style: chr2-178607897-G-A. GRCh37 (hg19) VCF-style: chr2-179472624-G-A.
Other names: c.47967C>T, p.Thr15989= (NM_001256850.1); c.25695C>T, p.Thr8565= (NM_003319.4); c.45186C>T, p.Thr15062= (NM_133378.4); c.26070C>T, p.Thr8690= (NM_133432.3); c.26271C>T, p.Thr8757= (NM_133437.4); c.52890C>T (LRG_391t1).
Identifiers: ClinVar variation 380388 (VCV000380388.23), dbSNP rs374228930, ClinGen allele CA1993909.

ClinVar aggregate classification (germline): Conflicting classifications of pathogenicity. Review status: criteria provided, conflicting classifications (1 of 4 stars). 9 submissions from 9 submitters: Uncertain significance (1); Benign (1); Likely benign (7). Last evaluated 2026-06-01.

Conditions:
TTN-related disorder. Also called: TTN-related condition; TTN-related disease; TTN-related disorders.
Cardiovascular phenotype. Identifiers: MedGen CN230736.
Dilated cardiomyopathy 1G (CMD1G). Identifiers: Orphanet 154, MedGen C1858763, MONDO:0011400, OMIM 604145.
Autosomal recessive limb-girdle muscular dystrophy type 2J (LGMDR10). Also called: MUSCULAR DYSTROPHY, LIMB-GIRDLE, AUTOSOMAL RECESSIVE 10; Limb-girdle muscular dystrophy, type 2J. Identifiers: Orphanet 140922, MedGen C1837342, MONDO:0012127, OMIM 608807.

Allele frequency attached by ClinVar (database versions not stated): TOPMed 0.00004; gnomAD exomes 0.00005 and 0.00007; gnomAD 0.00007; ESP Exome Variant Server 0.00008; ExAC 0.00009.
gnomAD v4.1: 88 of 1,612,840 alleles (0.0055%); highest among the groups gnomAD compares: Non-Finnish European, 0.0045%; no homozygotes.

Submissions (9):

CeGaT Center for Human Genetics Tuebingen
Classification: Likely benign. Last evaluated: 2026-06-01. Review status: criteria provided, single submitter. Criteria: CeGaT Center For Human Genetics Tuebingen Variant Classification Criteria Version 2. Collection method: clinical testing. Allele origin: germline. Affected: yes. Observed: 1 variant allele.
Comment: TTN: BP4, BP7

Labcorp Genetics (formerly Invitae), Labcorp
Classification: Likely benign for Dilated cardiomyopathy 1G; Autosomal recessive limb-girdle muscular dystrophy type 2J. Last evaluated: 2026-01-28. Review status: criteria provided, single submitter. Criteria: Invitae Variant Classification Sherloc (09022015). Collection method: clinical testing. Allele origin: germline.

PreventionGenetics, part of Exact Sciences
Classification: Likely benign for TTN-related condition. Last evaluated: 2025-07-03. Review status: criteria provided, single submitter. Criteria: ACMG Guidelines, 2015. Collection method: clinical testing. Allele origin: germline.
Comment: This variant is classified as likely benign based on ACMG/AMP sequence variant interpretation guidelines (Richards et al. 2015 PMID: 25741868, with internal and published modifications).

Women's Health and Genetics/Laboratory Corporation of America, LabCorp
Classification: Likely benign. Last evaluated: 2022-07-02. Review status: criteria provided, single submitter. Criteria: LabCorp Variant Classification Summary - May 2015. Collection method: clinical testing. Allele origin: germline.

Ambry Genetics
Classification: Likely benign for Cardiovascular phenotype. Last evaluated: 2022-04-21. Review status: criteria provided, single submitter. Criteria: Ambry Variant Classification Scheme 2023. Collection method: clinical testing. Allele origin: germline.

Blueprint Genetics
Classification: Likely benign. Last evaluated: 2022-03-10. Review status: criteria provided, single submitter. Criteria: ACMG Guidelines, 2015. Collection method: clinical testing. Allele origin: germline.

Eurofins Ntd Llc (ga)
Classification: Uncertain significance. Last evaluated: 2018-06-19. Review status: criteria provided, single submitter. Criteria: EGL ClinVar v180209 classification definitions. Collection method: clinical testing. Allele origin: germline. Observed: 1 variant allele, 1 heterozygote.

Athena Diagnostics
Classification: Benign. Last evaluated: 2017-02-15. Review status: criteria provided, single submitter. Criteria: Athena Diagnostics Criteria. Collection method: clinical testing. Allele origin: germline.

GeneDx
Classification: Likely benign. Last evaluated: 2016-04-26. Review status: criteria provided, single submitter. Criteria: GeneDx Variant Classification (06012015). Collection method: clinical testing. Allele origin: germline. Affected: yes.
Comment: This variant is considered likely benign or benign based on one or more of the following criteria: it is a conservative change, it occurs at a poorly conserved position in the protein, it is predicted to be benign by multiple in silico algorithms, and/or has population frequency not consistent with disease.